The following is an entry in ClinVar:

NM_001379451.1(BCORL1):c.894G>A (p.Ser298=)

Gene: BCORL1 (BCL6 corepressor like 1; plus strand). Cytogenetic location: Xq26.1.
Variant type: single nucleotide variant.
Coding change: c.894G>A on transcript NM_001379451.1 (MANE Select); coding-DNA position 894, G replaced by A.
Protein change: p.Ser298=; no amino-acid change (serine 298 retained).
Molecular consequence: synonymous variant.
Genome position (GRCh38, 1-based): chrX:130,013,666, G>A. VCF-style: chrX-130013666-G-A. GRCh37 (hg19) VCF-style: chrX-129147642-G-A.
Other names: c.894G>A, p.Ser298= (NM_001184772.3, NM_001379450.1, NM_021946.5).
Identifiers: ClinVar variation 3047860 (VCV003047860.2), dbSNP rs752016473, ClinGen allele CA10514190.

ClinVar aggregate classification (germline): Likely benign (0 of 4 stars; one submission).

Conditions:
BCORL1-related disorder. Also called: BCORL1-related condition.

Allele frequency attached by ClinVar (database versions not stated): ExAC 0.00001; TOPMed 0.00002; gnomAD exomes 0.00005.
gnomAD v4.1: 62 of 1,208,661 alleles (0.0051%); highest among the groups gnomAD compares: Non-Finnish European, 0.0058%; no homozygotes.

Submission:

PreventionGenetics, part of Exact Sciences
Classification: Likely benign for BCORL1-related condition. Last evaluated: 2023-06-08. Review status: no assertion criteria provided. Collection method: clinical testing. Allele origin: germline.
Comment: This variant is classified as likely benign based on ACMG/AMP sequence variant interpretation guidelines (Richards et al. 2015 PMID: 25741868, with internal and published modifications).